The following is an entry in ClinVar:

ClinVar aggregate classification (germline): Likely benign. Review status: criteria provided, multiple submitters, no conflicts (2 of 4 stars). 2 submissions from 2 submitters: Likely benign (2). Last evaluated 2024-05-15.

Allele frequency attached by ClinVar (database versions not stated): gnomAD 0.00001; ExAC 0.00002; gnomAD exomes 0.00002 and 0.00003; TOPMed 0.00003; 1000 Genomes Project 30x 0.00031; 1000 Genomes Project 0.00040.
gnomAD v4.1: 34 of 1,614,076 alleles (0.0021%); highest among the groups gnomAD compares: Middle Eastern, 0.049%; 1 homozygote.

Submissions (2):

Labcorp Genetics (formerly Invitae), Labcorp
Classification: Likely benign. Last evaluated: 2024-05-15. Review status: criteria provided, single submitter. Criteria: Invitae Variant Classification Sherloc (09022015). Collection method: clinical testing. Allele origin: germline.

GeneDx
Classification: Likely benign. Last evaluated: 2017-06-21. Review status: criteria provided, single submitter. Criteria: GeneDx Variant Classification (06012015). Collection method: clinical testing. Allele origin: germline. Affected: yes.
Comment: This variant is considered likely benign or benign based on one or more of the following criteria: it is a conservative change, it occurs at a poorly conserved position in the protein, it is predicted to be benign by multiple in silico algorithms, and/or has population frequency not consistent with disease.

NM_018943.3(TUBA8):c.1185C>T (p.Phe395=)

Gene: TUBA8 (tubulin alpha 8; plus strand). Cytogenetic location: 22q11.21.
Variant type: single nucleotide variant.
Coding change: c.1185C>T on transcript NM_018943.3 (MANE Select); coding-DNA position 1185, C replaced by T.
Protein change: p.Phe395=; no amino-acid change (phenylalanine 395 retained).
Molecular consequence: synonymous variant.
Genome position (GRCh38, 1-based): chr22:18,130,971, C>T. VCF-style: chr22-18130971-C-T. GRCh37 (hg19) VCF-style: chr22-18613738-C-T.
Other names: c.987C>T, p.Phe329= (NM_001193414.2).
Identifiers: ClinVar variation 518206 (VCV000518206.6), dbSNP rs552127843, ClinGen allele CA10093863.